The following is an entry in ClinVar:

NM_000038.6(APC):c.4849C>T (p.Leu1617Phe)

Gene: APC (APC regulator of Wnt signaling pathway; plus strand). Cytogenetic location: 5q22.2.
Variant type: single nucleotide variant.
Coding change: c.4849C>T on transcript NM_000038.6 (MANE Select); coding-DNA position 4849, C replaced by T.
Protein change: p.Leu1617Phe; replaces leucine 1617 with phenylalanine.
Molecular consequence: missense variant.
Genome position (GRCh38, 1-based): chr5:112,840,443, C>T. VCF-style: chr5-112840443-C-T. GRCh37 (hg19) VCF-style: chr5-112176140-C-T.
Other names: c.4849C>T, p.Leu1617Phe (NM_001127510.3, NM_001354895.2); c.4795C>T, p.Leu1599Phe (NM_001127511.3); c.4903C>T, p.Leu1635Phe (NM_001354896.2); c.4879C>T, p.Leu1627Phe (NM_001354897.2); c.4774C>T, p.Leu1592Phe (NM_001354898.2); c.4765C>T, p.Leu1589Phe (NM_001354899.2); c.4726C>T, p.Leu1576Phe (NM_001354900.2); c.4672C>T, p.Leu1558Phe (NM_001354901.2); and 5 more; short protein forms L1491F, L1627F, L1457F, L1558F, L1592F, L1635F, L1334F, L1516F.
Identifiers: ClinVar variation 1486142 (VCV001486142.12), dbSNP rs1489248428, ClinGen allele CA16031957.
Genomic context (GRCh38, chr5:112,840,443, plus strand): 5'-ACTGCTTCAAAATTACCTCCACCTGTGGCAAGGAAACCAAGTCAGCTGCCTGTGTACAAA[C>T]TTCTACCATCACAAAACAGGTTGCAACCCCAAAAGCATGTTAGTTTTACACCGGGGGATG-3'
Protein context (NP_000029.2, residues 1607-1627): RKPSQLPVYK[Leu1617Phe]LPSQNRLQPQ

ClinVar aggregate classification (germline): Uncertain significance. Review status: criteria provided, multiple submitters, no conflicts (2 of 4 stars). 3 submissions from 3 submitters: Uncertain significance (3). Last evaluated 2025-01-03.

Conditions:
Hereditary cancer-predisposing syndrome. Also called: Hereditary neoplastic syndrome; Neoplastic Syndromes, Hereditary; Hereditary Cancer Syndrome; Tumor predisposition. Identifiers: Orphanet 140162, MedGen C0027672, MeSH D009386, MONDO:0015356.
Familial adenomatous polyposis 1 (FAP1). Also called: POLYPOSIS, ADENOMATOUS INTESTINAL; FAMILIAL ADENOMATOUS POLYPOSIS 1, ATTENUATED. Identifiers: MedGen C2713442, MONDO:0021056, OMIM 175100. Disease mechanism: loss of function.

Allele frequency attached by ClinVar (database versions not stated): gnomAD exomes below 0.00001.
gnomAD v4.1: 1 of 1,614,210 alleles (0.000062%); highest among the groups gnomAD compares: Non-Finnish European, 0.000085%; no homozygotes.

Submissions (3):

ARUP Laboratories, Molecular Genetics and Genomics, ARUP Laboratories
Classification: Uncertain significance. Last evaluated: 2025-01-03. Review status: criteria provided, single submitter. Criteria: ARUP Molecular Germline Variant Investigation Process 2024. Collection method: clinical testing. Allele origin: germline.
Comment: The APC c.4849C>T; p.Leu1617Phe variant (rs1489248428), to our knowledge, is not reported in the medical literature but is reported in ClinVar (Variation ID: 1486142). This variant is absent from the Genome Aggregation Database (v2.1.1), indicating it is not a common polymorphism. Computational analyses are uncertain whether this variant is neutral or deleterious (REVEL: 0.385). Due to limited information, the clinical significance of this variant is uncertain at this time.

Labcorp Genetics (formerly Invitae), Labcorp
Classification: Uncertain significance for Familial adenomatous polyposis 1. Last evaluated: 2020-11-17. Review status: criteria provided, single submitter. Criteria: Invitae Variant Classification Sherloc (09022015). Collection method: clinical testing. Allele origin: germline.
Comment: This sequence change replaces leucine with phenylalanine at codon 1617 of the APC protein (p.Leu1617Phe). The leucine residue is highly conserved and there is a small physicochemical difference between leucine and phenylalanine. This variant is not present in population databases (ExAC no frequency). This variant has not been reported in the literature in individuals with APC-related conditions. Algorithms developed to predict the effect of missense changes on protein structure and function are either unavailable or do not agree on the potential impact of this missense change (SIFT: "Tolerated"; PolyPhen-2: "Probably Damaging"; Align-GVGD: "Class C0"). In summary, the available evidence is currently insufficient to determine the role of this variant in disease. Therefore, it has been classified as a Variant of Uncertain Significance.

Ambry Genetics
Classification: Uncertain significance for Hereditary cancer-predisposing syndrome. Last evaluated: 2016-01-29. Review status: criteria provided, single submitter. Criteria: Ambry Variant Classification Scheme 2023. Collection method: clinical testing. Allele origin: germline.
Comment: The p.L1617F variant (also known as c.4849C>T), located in coding exon 15 of the APC gene, results from a C to T substitution at nucleotide position 4849. The leucine at codon 1617 is replaced by phenylalanine, an amino acid with highly similar properties. This variant was not reported in population based cohorts in the following databases: Database of Single Nucleotide Polymorphisms (dbSNP), NHLBI Exome Sequencing Project (ESP), and 1000 Genomes Project. In the ESP, this variant was not observed in 6502 samples (13004 alleles) with coverage at this position. To date, this alteration has been detected with an allele frequency of approximately 0.001% (greater than 70000 alleles tested) in our clinical cohort. This amino acid position is well conserved in available vertebrate species. In addition, in silico predictors for this gene do not accurately predict pathogenicity. Since supporting evidence is limited at this time, the clinical significance of this variant remains unclear.